The following is an entry in ClinVar:

NM_001458.5(FLNC):c.6720G>A (p.Gln2240=)

Genes: FLNC (filamin C; plus strand), FLNC-AS1 (FLNC antisense RNA 1; minus strand). Cytogenetic location: 7q32.1.
Variant type: single nucleotide variant.
Coding change: c.6720G>A on transcript NM_001458.5 (MANE Select); coding-DNA position 6720, G replaced by A.
Protein change: p.Gln2240=; no amino-acid change (glutamine 2240 retained).
Molecular consequence: synonymous variant.
Genome position (GRCh38, 1-based): chr7:128,854,209, G>A. VCF-style: chr7-128854209-G-A. GRCh37 (hg19) VCF-style: chr7-128494263-G-A.
Other names: c.6621G>A, p.Gln2207= (NM_001127487.2).
Identifiers: ClinVar variation 472143 (VCV000472143.18), dbSNP rs371391208, ClinGen allele CA4476055.

ClinVar aggregate classification (germline): Likely benign. Review status: criteria provided, multiple submitters, no conflicts (2 of 4 stars). 6 submissions from 6 submitters: Likely benign (4). 2 of the submissions do not count toward it. Last evaluated 2025-12-29.

Conditions:
FLNC-related disorder. Also called: FLNC-related disorders; FLNC-related condition.
Myofibrillar myopathy 5. Also called: FILAMINOPATHY, AUTOSOMAL DOMINANT; Filaminopathy (type). Identifiers: Orphanet 171445, MedGen C1836050, MONDO:0012289, OMIM 609524.
Hypertrophic cardiomyopathy 26. Also called: Cardiomyopathy, familial hypertrophic, 26. Identifiers: Orphanet 75249, MedGen C4310749, MONDO:0014883, OMIM 617047.
Distal myopathy with posterior leg and anterior hand involvement. Also called: WILLIAMS DISTAL MYOPATHY. Identifiers: Orphanet 63273, MedGen C3279722, MONDO:0013550, OMIM 614065.
Cardiovascular phenotype. Identifiers: MedGen CN230736.

Allele frequency attached by ClinVar (database versions not stated): gnomAD exomes 0.00001 and 0.00005; ExAC 0.00010; 1000 Genomes Project 30x 0.00016; gnomAD 0.00018; TOPMed 0.00018; 1000 Genomes Project 0.00020; ESP Exome Variant Server 0.00033.

Submissions (6):

Labcorp Genetics (formerly Invitae), Labcorp
Classification: Likely benign for Distal myopathy with posterior leg and anterior hand involvement; Myofibrillar myopathy 5; Hypertrophic cardiomyopathy 26. Last evaluated: 2025-12-29. Review status: criteria provided, single submitter. Criteria: Invitae Variant Classification Sherloc (09022015). Collection method: clinical testing. Allele origin: germline.

PreventionGenetics, part of Exact Sciences
Classification: Likely benign for FLNC-related condition. Last evaluated: 2025-10-10. Review status: criteria provided, single submitter. Criteria: ACMG Guidelines, 2015. Collection method: clinical testing. Allele origin: germline.
Comment: This variant is classified as likely benign based on ACMG/AMP sequence variant interpretation guidelines (Richards et al. 2015 PMID: 25741868, with internal and published modifications).

Ambry Genetics
Classification: Likely benign for Cardiovascular phenotype. Last evaluated: 2019-12-11. Review status: criteria provided, single submitter. Criteria: Ambry Variant Classification Scheme 2023. Collection method: clinical testing. Allele origin: germline.

GeneDx
Classification: Likely benign. Last evaluated: 2019-09-12. Review status: criteria provided, single submitter. Criteria: GeneDx Variant Classification Process June 2021. Collection method: clinical testing. Allele origin: germline. Affected: yes.

Genome Diagnostics Laboratory, University Medical Center Utrecht
Classification: Likely benign. Review status: no assertion criteria provided. Collection method: clinical testing. Allele origin: germline. Affected: yes. Study: VKGL Data-share Consensus. Not counted in ClinVar's aggregate classification.

Laboratory of Diagnostic Genome Analysis, Leiden University Medical Center (LUMC)
Classification: Likely benign. Review status: no assertion criteria provided. Collection method: clinical testing. Allele origin: germline. Affected: yes. Study: VKGL Data-share Consensus. Not counted in ClinVar's aggregate classification.